The following is an entry in ClinVar:

NM_005585.5(SMAD6):c.611G>T (p.Gly204Val)

Gene: SMAD6 (SMAD family member 6; plus strand). Cytogenetic location: 15q22.31.
Variant type: single nucleotide variant.
Coding change: c.611G>T on transcript NM_005585.5 (MANE Select); coding-DNA position 611, G replaced by T.
Protein change: p.Gly204Val; replaces glycine 204 with valine.
Molecular consequence: missense variant. On other transcripts: non-coding transcript variant (1).
Genome position (GRCh38, 1-based): chr15:66,703,869, G>T. VCF-style: chr15-66703869-G-T. GRCh37 (hg19) VCF-style: chr15-66996207-G-T.
Other names: short protein forms G204V.
Identifiers: ClinVar variation 2795348 (VCV002795348.3), dbSNP rs768542939, ClinGen allele CA392949893.

ClinVar aggregate classification (germline): Uncertain significance (1 of 4 stars; one submission).

Conditions:
Aortic valve disease 2 (AOVD2). Identifiers: MedGen C3542024, MONDO:0013902, OMIM 614823.

Submission:

Labcorp Genetics (formerly Invitae), Labcorp
Classification: Uncertain significance for Aortic valve disease 2. Last evaluated: 2023-01-16. Review status: criteria provided, single submitter. Criteria: Invitae Variant Classification Sherloc (09022015). Collection method: clinical testing. Allele origin: germline.
Comment: This sequence change replaces glycine, which is neutral and non-polar, with valine, which is neutral and non-polar, at codon 204 of the SMAD6 protein (p.Gly204Val). In summary, the available evidence is currently insufficient to determine the role of this variant in disease. Therefore, it has been classified as a Variant of Uncertain Significance. Advanced modeling of protein sequence and biophysical properties (such as structural, functional, and spatial information, amino acid conservation, physicochemical variation, residue mobility, and thermodynamic stability) performed at Invitae indicates that this missense variant is not expected to disrupt SMAD6 protein function. This variant has not been reported in the literature in individuals affected with SMAD6-related conditions. This variant is not present in population databases (gnomAD no frequency).